The following is an entry in ClinVar:

ClinVar aggregate classification (germline): Pathogenic (1 of 4 stars; one submission).

Conditions:
Autosomal recessive limb-girdle muscular dystrophy type 2O. Also called: Limb-Girdle Muscular Dystrophy Type 3C; MUSCULAR DYSTROPHY-DYSTROGLYCANOPATHY (LIMB-GIRDLE), TYPE C, 3; MUSCULAR DYSTROPHY-DYSTROGLYCANOPATHY, LIMB-GIRDLE, POMGNT1-RELATED. Identifiers: Orphanet 206564, MedGen C3150417, MONDO:0013161, OMIM 613157.
Muscular dystrophy-dystroglycanopathy (congenital with impaired intellectual development), type B, 3. Also called: MUSCULAR DYSTROPHY, CONGENITAL, POMGNT1-RELATED; Muscular dystrophy-dystroglycanopathy (congenital with intellectual disability), type B3. Identifiers: MedGen C3150412, MONDO:0013155, OMIM 613151.

Submission:

Labcorp Genetics (formerly Invitae), Labcorp
Classification: Pathogenic for Autosomal recessive limb-girdle muscular dystrophy type 2O; Muscular dystrophy-dystroglycanopathy (congenital with impaired intellectual development), type B, 3. Last evaluated: 2021-04-04. Review status: criteria provided, single submitter. Criteria: Invitae Variant Classification Sherloc (09022015). Collection method: clinical testing. Allele origin: germline.
Comment: For these reasons, this variant has been classified as Pathogenic. This variant has not been reported in the literature in individuals with POMGNT1-related conditions. This variant is not present in population databases (ExAC no frequency). This sequence change creates a premature translational stop signal (p.Trp25*) in the POMGNT1 gene. It is expected to result in an absent or disrupted protein product. Loss-of-function variants in POMGNT1 are known to be pathogenic (PMID: 19299310, 20816175, 21447391, 26908613, 27391550).

Literature cited by the submitters: PubMed 19299310; PubMed 20816175; PubMed 21447391; PubMed 26908613; PubMed 27391550.

NM_017739.4(POMGNT1):c.75del (p.Thr24_Trp25insTer)

Gene: POMGNT1 (protein O-linked mannose N-acetylglucosaminyltransferase 1 (beta 1,2-); minus strand). Cytogenetic location: 1p34.1.
Variant type: Deletion.
Coding change: c.75del on transcript NM_017739.4 (MANE Select); coding-DNA position 75, one base deleted (G; older notation c.75delG).
Protein change: p.Thr24_Trp25insTer.
Molecular consequence: nonsense.
Genome position (GRCh38, 1-based): chr1:46,197,747, C deleted on the plus strand (G on the coding strand, the reverse complement: POMGNT1 is on the minus strand); the first of 2 consecutive C bases (chr1:46,197,747-46,197,748); deleting either gives the same sequence. VCF-style (leftmost placement, unchanged base first): chr1-46197746-TC-T. GRCh37 (hg19) VCF-style: chr1-46663418-TC-T.
Other names: c.75del, p.Thr24_Trp25insTer (NM_001243766.2).
Identifiers: ClinVar variation 1424394 (VCV001424394.6), dbSNP rs2148222613, ClinGen allele CA2573132060.